The following is an entry in ClinVar:

NM_025114.4(CEP290):c.739G>T (p.Val247Leu)

Gene: CEP290 (centrosomal protein 290; minus strand). Cytogenetic location: 12q21.32.
Variant type: single nucleotide variant.
Coding change: c.739G>T on transcript NM_025114.4 (MANE Select); coding-DNA position 739, G replaced by T.
Protein change: p.Val247Leu; replaces valine 247 with leucine.
Molecular consequence: missense variant.
Genome position (GRCh38, 1-based): chr12:88,129,807, C>A on the plus strand (G>T on the coding strand, the complement: CEP290 is on the minus strand). VCF-style: chr12-88129807-C-A. GRCh37 (hg19) VCF-style: chr12-88523584-C-A.
Other names: short protein forms V247L.
Identifiers: ClinVar variation 2630019 (VCV002630019.3), dbSNP rs1409885182, ClinGen allele CA385985552.

ClinVar aggregate classification (germline): Uncertain significance. Review status: criteria provided, multiple submitters, no conflicts (2 of 4 stars). 3 submissions from 3 submitters: Uncertain significance (2). 1 of the submissions does not count toward it. Last evaluated 2025-08-14.

Conditions:
CEP290-related disorder. Also called: CEP290-related condition; CEP290-related disorders. Identifiers: MedGen CN239314.
Joubert syndrome. Also called: CEREBELLOPARENCHYMAL DISORDER IV; JOUBERT-BOLTSHAUSER SYNDROME; Familial aplasia of the vermis. Identifiers: Orphanet 475, MedGen C5979921, MONDO:0018772.
Nephronophthisis. Also called: Juvenile Nephronophthisis. Identifiers: Orphanet 655, MedGen C0687120, MONDO:0019005, HP:0000090.
Meckel-Gruber syndrome. Also called: DYSENCEPHALIA SPLANCHNOCYSTICA; GRUBER SYNDROME; Dysencephalia splachnocystica. Identifiers: Orphanet 564, MedGen C0265215, MONDO:0018921.
Leber congenital amaurosis (LCA). Also called: Leber's amaurosis. Identifiers: Orphanet 65, MedGen C0339527, MeSH D057130, MONDO:0018998.

Submissions (3):

Labcorp Genetics (formerly Invitae), Labcorp
Classification: Uncertain significance for Joubert syndrome; Meckel-Gruber syndrome; Nephronophthisis. Last evaluated: 2025-08-14. Review status: criteria provided, single submitter. Criteria: Invitae Variant Classification Sherloc (09022015). Collection method: clinical testing. Allele origin: germline.
Comment: This sequence change replaces valine, which is neutral and non-polar, with leucine, which is neutral and non-polar, at codon 247 of the CEP290 protein (p.Val247Leu). This variant is not present in population databases (gnomAD no frequency). This variant has not been reported in the literature in individuals affected with CEP290-related conditions. ClinVar contains an entry for this variant (Variation ID: 2630019). Invitae Evidence Modeling of protein sequence and biophysical properties (such as structural, functional, and spatial information, amino acid conservation, physicochemical variation, residue mobility, and thermodynamic stability) indicates that this missense variant is expected to disrupt CEP290 protein function with a positive predictive value of 80%. In summary, the available evidence is currently insufficient to determine the role of this variant in disease. Therefore, it has been classified as a Variant of Uncertain Significance.

PreventionGenetics, part of Exact Sciences
Classification: Uncertain significance for CEP290-related condition. Last evaluated: 2023-07-26. Review status: criteria provided, single submitter. Criteria: ACMG Guidelines, 2015. Collection method: clinical testing. Allele origin: germline.
Comment: The CEP290 c.739G>T variant is predicted to result in the amino acid substitution p.Val247Leu. To our knowledge, this variant has not been reported in the literature or in a large population database, indicating this variant is rare. At this time, the clinical significance of this variant is uncertain due to the absence of conclusive functional and genetic evidence.

Natera, Inc.
Classification: Uncertain significance for Leber congenital amaurosis. Last evaluated: 2025-01-23. Review status: no assertion criteria provided. Collection method: clinical testing. Allele origin: germline. Not counted in ClinVar's aggregate classification.